The following is an entry in ClinVar:

ClinVar aggregate classification (germline): Uncertain significance (1 of 4 stars; one submission).

gnomAD v4.1: 1 of 1,549,972 alleles (0.000065%); highest among the groups gnomAD compares: East Asian, 0.0024%; no homozygotes.

Submission:

Labcorp Genetics (formerly Invitae), Labcorp
Classification: Uncertain significance. Last evaluated: 2021-12-23. Review status: criteria provided, single submitter. Criteria: Invitae Variant Classification Sherloc (09022015). Collection method: clinical testing. Allele origin: germline.
Comment: This sequence change replaces glycine, which is neutral and non-polar, with tryptophan, which is neutral and slightly polar, at codon 33 of the TCF3 protein (p.Gly33Trp). This variant is not present in population databases (gnomAD no frequency). This variant has not been reported in the literature in individuals affected with TCF3-related conditions. Algorithms developed to predict the effect of missense changes on protein structure and function are either unavailable or do not agree on the potential impact of this missense change (SIFT: "Not Available"; PolyPhen-2: "Probably Damaging"; Align-GVGD: "Not Available"). In summary, the available evidence is currently insufficient to determine the role of this variant in disease. Therefore, it has been classified as a Variant of Uncertain Significance.

NM_003200.5(TCF3):c.97G>T (p.Gly33Trp)

Gene: TCF3 (transcription factor 3; minus strand). Cytogenetic location: 19p13.3.
Variant type: single nucleotide variant.
Coding change: c.97G>T on transcript NM_003200.5 (MANE Select); coding-DNA position 97, G replaced by T.
Protein change: p.Gly33Trp; replaces glycine 33 with tryptophan.
Molecular consequence: missense variant.
Genome position (GRCh38, 1-based): chr19:1,646,403, C>A on the plus strand (G>T on the coding strand, the complement: TCF3 is on the minus strand). VCF-style: chr19-1646403-C-A. GRCh37 (hg19) VCF-style: chr19-1646402-C-A.
Other names: c.97G>T, p.Gly33Trp (NM_001136139.4, NM_001351778.2, NM_001351779.2); short protein forms G33W.
Identifiers: ClinVar variation 2055454 (VCV002055454.4), dbSNP rs932844897, ClinGen allele CA403080312.
Genomic context (GRCh38, chr19:1,646,403, plus strand): 5'-GCGGGGTCCTACCTGAACCTCCGAACTGCGCCCCGGCCAGGGAGGCGGGCCGGCCCTTCC[C>A]GTTGGTGACAGGCAGCGGGAACATCTGCAGGGAGGGGAGGGGAGACGTGAGCGGGGCGGG-3'
Protein context (NP_003191.1, residues 23-43): SMMFPLPVTN[Gly33Trp]KGRPASLAGA